The following is an entry in ClinVar:

NM_000081.4(LYST):c.10372C>A (p.Pro3458Thr)

Gene: LYST (lysosomal trafficking regulator; minus strand). Cytogenetic location: 1q42.3.
Variant type: single nucleotide variant.
Coding change: c.10372C>A on transcript NM_000081.4 (MANE Select); coding-DNA position 10372, C replaced by A.
Protein change: p.Pro3458Thr; replaces proline 3458 with threonine.
Molecular consequence: missense variant.
Genome position (GRCh38, 1-based): chr1:235,702,749, G>T on the plus strand (C>A on the coding strand, the complement: LYST is on the minus strand). VCF-style: chr1-235702749-G-T. GRCh37 (hg19) VCF-style: chr1-235866049-G-T.
Other names: c.10372C>A, p.Pro3458Thr (NM_001301365.1); short protein forms P3458T.
Identifiers: ClinVar variation 2074001 (VCV002074001.1), dbSNP rs761189650, ClinGen allele CA344930946.

ClinVar aggregate classification (germline): Uncertain significance (1 of 4 stars; one submission).

Conditions:
Chédiak-Higashi syndrome (CHS). Also called: Chediak-Higashi Syndrome. Identifiers: Orphanet 167, MedGen C0007965, MONDO:0008963, OMIM 214500.

gnomAD v4.1: 3 of 1,613,076 alleles (0.00019%); highest among the groups gnomAD compares: African/African-American, 0.0027%; no homozygotes.

Submission:

Labcorp Genetics (formerly Invitae), Labcorp
Classification: Uncertain significance for Chédiak-Higashi syndrome. Last evaluated: 2022-08-11. Review status: criteria provided, single submitter. Criteria: Invitae Variant Classification Sherloc (09022015). Collection method: clinical testing. Allele origin: germline.
Comment: This sequence change replaces proline, which is neutral and non-polar, with threonine, which is neutral and polar, at codon 3458 of the LYST protein (p.Pro3458Thr). This variant is present in population databases (no rsID available, gnomAD no frequency). This variant has not been reported in the literature in individuals affected with LYST-related conditions. Algorithms developed to predict the effect of missense changes on protein structure and function are either unavailable or do not agree on the potential impact of this missense change (SIFT: "Tolerated"; PolyPhen-2: "Probably Damaging"; Align-GVGD: "Class C0"). In summary, the available evidence is currently insufficient to determine the role of this variant in disease. Therefore, it has been classified as a Variant of Uncertain Significance.